The following is an entry in ClinVar:

NM_000419.5(ITGA2B):c.198C>A (p.Ile66=)

Gene: ITGA2B (integrin subunit alpha 2b; minus strand). Cytogenetic location: 17q21.31.
Variant type: single nucleotide variant.
Coding change: c.198C>A on transcript NM_000419.5 (MANE Select); coding-DNA position 198, C replaced by A.
Protein change: p.Ile66=; no amino-acid change (isoleucine 66 retained).
Molecular consequence: synonymous variant.
Genome position (GRCh38, 1-based): chr17:44,386,122, G>T on the plus strand (C>A on the coding strand, the complement: ITGA2B is on the minus strand). VCF-style: chr17-44386122-G-T. GRCh37 (hg19) VCF-style: chr17-42463490-G-T.
Identifiers: ClinVar variation 3040951 (VCV003040951.2), dbSNP rs1345944608, ClinGen allele CA500624611.

ClinVar aggregate classification (germline): Likely benign (0 of 4 stars; one submission).

Conditions:
ITGA2B-related disorder. Also called: ITGA2B-related disorders; ITGA2B-related condition.

gnomAD v4.1: 3 of 1,599,290 alleles (0.00019%); highest among the groups gnomAD compares: South Asian, 0.0011%; no homozygotes.

Submission:

PreventionGenetics, part of Exact Sciences
Classification: Likely benign for ITGA2B-related condition. Last evaluated: 2019-09-17. Review status: no assertion criteria provided. Collection method: clinical testing. Allele origin: germline.
Comment: This variant is classified as likely benign based on ACMG/AMP sequence variant interpretation guidelines (Richards et al. 2015 PMID: 25741868, with internal and published modifications).